The following is an entry in ClinVar:

NM_000553.6(WRN):c.4070A>G (p.His1357Arg)

Gene: WRN (WRN RecQ like helicase; plus strand). Cytogenetic location: 8p12.
Variant type: single nucleotide variant.
Coding change: c.4070A>G on transcript NM_000553.6 (MANE Select); coding-DNA position 4070, A replaced by G.
Protein change: p.His1357Arg; replaces histidine 1357 with arginine.
Molecular consequence: missense variant.
Genome position (GRCh38, 1-based): chr8:31,167,109, A>G. VCF-style: chr8-31167109-A-G. GRCh37 (hg19) VCF-style: chr8-31024625-A-G.
Other names: short protein forms H1357R.
Identifiers: ClinVar variation 571269 (VCV000571269.6), dbSNP rs765518421, ClinGen allele CA4705256.

ClinVar aggregate classification (germline): Uncertain significance. Review status: criteria provided, multiple submitters, no conflicts (2 of 4 stars). 2 submissions from 2 submitters: Uncertain significance (2). Last evaluated 2025-11-20.

Conditions:
Inborn genetic diseases. Identifiers: MedGen C0950123, MeSH D030342.
Werner syndrome (WRN). Identifiers: Orphanet 902, MedGen C0043119, MONDO:0010196, OMIM 277700.

Allele frequency attached by ClinVar (database versions not stated): ExAC 0.00001; gnomAD exomes 0.00001; TOPMed 0.00001.
gnomAD v4.1: 6 of 1,613,500 alleles (0.00037%); highest among the groups gnomAD compares: East Asian, 0.011%; no homozygotes.

Submissions (2):

Ambry Genetics
Classification: Uncertain significance for Inborn genetic diseases. Last evaluated: 2025-11-20. Review status: criteria provided, single submitter. Criteria: Ambry Variant Classification Scheme 2023. Collection method: clinical testing. Allele origin: germline.

Labcorp Genetics (formerly Invitae), Labcorp
Classification: Uncertain significance for Werner syndrome. Last evaluated: 2025-07-30. Review status: criteria provided, single submitter. Criteria: Invitae Variant Classification Sherloc (09022015). Collection method: clinical testing. Allele origin: germline.
Comment: This sequence change replaces histidine, which is basic and polar, with arginine, which is basic and polar, at codon 1357 of the WRN protein (p.His1357Arg). This variant is present in population databases (rs765518421, gnomAD 0.01%). This variant has not been reported in the literature in individuals affected with WRN-related conditions. ClinVar contains an entry for this variant (Variation ID: 571269). An algorithm developed to predict the effect of missense changes on protein structure and function outputs the following: PolyPhen-2: "Benign". The arginine amino acid residue is found in multiple mammalian species, which suggests that this missense change does not adversely affect protein function. In summary, the available evidence is currently insufficient to determine the role of this variant in disease. Therefore, it has been classified as a Variant of Uncertain Significance.